The following is an entry in ClinVar:

NM_001875.5(CPS1):c.2985T>A (p.Cys995Ter)

Gene: CPS1 (carbamoyl-phosphate synthase 1; plus strand). Cytogenetic location: 2q34.
Variant type: single nucleotide variant.
Coding change: c.2985T>A on transcript NM_001875.5 (MANE Select); coding-DNA position 2985, T replaced by A.
Protein change: p.Cys995Ter; replaces cysteine 995 with a stop codon.
Molecular consequence: nonsense. On other transcripts: non-coding transcript variant (2).
Genome position (GRCh38, 1-based): chr2:210,642,509, T>A. VCF-style: chr2-210642509-T-A. GRCh37 (hg19) VCF-style: chr2-211507233-T-A.
Other names: c.2985T>A, p.Cys995Ter (NM_001122633.3, NM_001369257.1); c.3018T>A, p.Cys1006Ter (NM_001369256.1); short protein forms C1006*, C995*.
Identifiers: ClinVar variation 983910 (VCV000983910.3), dbSNP rs1700257346, ClinGen allele CA350433776.

ClinVar aggregate classification (germline): Likely pathogenic (1 of 4 stars; one submission).

Conditions:
Congenital hyperammonemia, type I. Also called: Carbamoyl phosphate synthetase I deficiency disease; Carbamoyl phosphate synthetase 1 deficiency; Hyperammonemia due to carbamoyl phosphate synthetase 1 deficiency; CPS 1 deficiency; Carbamyl phosphate synthetase (CPS) deficiency; Carbamoyl-phosphate synthase I deficiency. Identifiers: Orphanet 147, MedGen C4082171, MONDO:0009376, OMIM 237300.

Submission:

Myriad Genetics, Inc.
Classification: Likely pathogenic for Congenital hyperammonemia, type I. Last evaluated: 2019-12-28. Review status: criteria provided, single submitter. Criteria: Myriad Women's Health Autosomal Recessive and X-Linked Classification Criteria (2019). Collection method: clinical testing. Allele origin: unknown.
Comment: NM_001875.4(CPS1):c.2985T>A(C995*) is expected to be pathogenic in the context of carbamoylphosphate synthetase I deficiency. This variant is predicted to lead to an abnormal or absent protein product due to the creation of a premature termination codon in CPS1, a gene where loss-of-function variants are known to be pathogenic. Please note: this variant was assessed in the context of healthy population screening.